The following is an entry in ClinVar:

ClinVar aggregate classification (germline): Uncertain significance. Review status: criteria provided, multiple submitters, no conflicts (2 of 4 stars). 2 submissions from 2 submitters: Uncertain significance (2). Last evaluated 2022-06-08.

Allele frequency attached by ClinVar (database versions not stated): ExAC 0.00002; gnomAD exomes 0.00002; gnomAD 0.00003 and 0.00004; ESP Exome Variant Server 0.00008.
gnomAD v4.1: 11 of 1,613,890 alleles (0.00068%); highest among the groups gnomAD compares: African/African-American, 0.008%; no homozygotes.

Submissions (2):

Women's Health and Genetics/Laboratory Corporation of America, LabCorp
Classification: Uncertain significance. Last evaluated: 2022-06-08. Review status: criteria provided, single submitter. Criteria: LabCorp Variant Classification Summary - May 2015. Collection method: clinical testing. Allele origin: germline.
Comment: Variant summary: PAX3 c.874G>A (p.Gly292Arg) results in a non-conservative amino acid change in the encoded protein sequence. Five of five in-silico tools predict a damaging effect of the variant on protein function. The variant allele was found at a frequency of 1.6e-05 in 251192 control chromosomes (gnomAD). The available data on variant occurrences in the general population are insufficient to allow any conclusion about variant significance. To our knowledge, no occurrence of c.874G>A in individuals affected with Waardenburg Syndrome Type 1 and no experimental evidence demonstrating its impact on protein function have been reported. One clinical diagnostic laboratory has submitted clinical-significance assessments for this variant to ClinVar after 2014 and classified the variant as uncertain significance. Based on the evidence outlined above, the variant was classified as uncertain significance.

GeneDx
Classification: Uncertain significance. Last evaluated: 2019-06-21. Review status: criteria provided, single submitter. Criteria: GeneDx Variant Classification Process June 2021. Collection method: clinical testing. Allele origin: germline. Affected: yes.
Comment: In silico analysis, which includes protein predictors and evolutionary conservation, supports a deleterious effect; Has not been previously published as pathogenic or benign to our knowledge

NM_181458.4(PAX3):c.874G>A (p.Gly292Arg)

Gene: PAX3 (paired box 3; minus strand). Cytogenetic location: 2q36.1.
Variant type: single nucleotide variant.
Coding change: c.874G>A on transcript NM_181458.4 (MANE Select); coding-DNA position 874, G replaced by A.
Protein change: p.Gly292Arg; replaces glycine 292 with arginine.
Molecular consequence: missense variant.
Genome position (GRCh38, 1-based): chr2:222,221,306, C>T on the plus strand (G>A on the coding strand, the complement: PAX3 is on the minus strand). VCF-style: chr2-222221306-C-T. GRCh37 (hg19) VCF-style: chr2-223086025-C-T.
Other names: c.871G>A, p.Gly291Arg (NM_001127366.3); c.874G>A, p.Gly292Arg (NM_181457.4, NM_181459.4, NM_181460.4 and 1 more transcripts); short protein forms G291R, G292R.
Identifiers: ClinVar variation 1306549 (VCV001306549.3), dbSNP rs142651003, ClinGen allele CA2135560.